The following is an entry in ClinVar:

NM_000388.4(CASR):c.2533_2545del (p.Ser845fs)

Gene: CASR (calcium sensing receptor; plus strand). Cytogenetic location: 3q21.1.
Variant type: Deletion.
Coding change: c.2533_2545del on transcript NM_000388.4 (MANE Select); coding-DNA positions 2533 to 2545, 13 bases deleted (AGCTTTGGCTTGC).
Protein change: p.Ser845fs; shifts the reading frame from serine 845.
Molecular consequence: frameshift variant.
Genome position (GRCh38, 1-based): chr3:122,284,487-122,284,499, AGCTTTGGCTTGC deleted; deleting any 13 consecutive bases within chr3:122,284,486-122,284,499 gives the same sequence; the c. name uses the placement nearest the transcript's 3' end. VCF-style (leftmost placement, unchanged base first): chr3-122284485-CCAGCTTTGGCTTG-C. GRCh37 (hg19) VCF-style: chr3-122003332-CCAGCTTTGGCTTG-C.
Other names: c.2563_2575del, p.Ser855fs (NM_001178065.2); short protein forms S845fs, S855fs.
Identifiers: ClinVar variation 1408979 (VCV001408979.6), dbSNP rs2107650671, ClinGen allele CA2573136466.

ClinVar aggregate classification (germline): Pathogenic (1 of 4 stars; one submission).

Conditions:
Familial hypocalciuric hypercalcemia (FHH). Also called: Familial benign hypercalcemia. Identifiers: Orphanet 405, MedGen C1809471, MONDO:0018458.
Autosomal dominant hypocalcemia 1 (HYPOC1). Also called: HYPOCALCEMIA, FAMILIAL. Identifiers: MedGen C3715128, MONDO:0011013, OMIM 601198.

Submission:

Labcorp Genetics (formerly Invitae), Labcorp
Classification: Pathogenic for Familial hypocalciuric hypercalcemia; Autosomal dominant hypocalcemia 1. Last evaluated: 2021-08-03. Review status: criteria provided, single submitter. Criteria: Invitae Variant Classification Sherloc (09022015). Collection method: clinical testing. Allele origin: germline.
Comment: This sequence change creates a premature translational stop signal (p.Ser845Trpfs*90) in the CASR gene. While this is not anticipated to result in nonsense mediated decay, it is expected to disrupt the last 234 amino acid(s) of the CASR protein. This variant is not present in population databases (ExAC no frequency). This variant has not been reported in the literature in individuals affected with CASR-related conditions. This variant disrupts a region of the CASR protein in which other variant(s) (p.Arg886Pro) have been determined to be pathogenic (PMID: 11807402, 20798521). This suggests that this is a clinically significant region of the protein, and that variants that disrupt it are likely to be disease-causing. For these reasons, this variant has been classified as Pathogenic.

Literature cited by the submitters: PubMed 11807402; PubMed 20798521.